The following is an entry in ClinVar:

NM_031935.3(HMCN1):c.16549C>A (p.Leu5517Ile)

Gene: HMCN1 (hemicentin 1; plus strand). Cytogenetic location: 1q31.1.
Variant type: single nucleotide variant.
Coding change: c.16549C>A on transcript NM_031935.3 (MANE Select); coding-DNA position 16549, C replaced by A.
Protein change: p.Leu5517Ile; replaces leucine 5517 with isoleucine.
Molecular consequence: missense variant.
Genome position (GRCh38, 1-based): chr1:186,189,519, C>A. VCF-style: chr1-186189519-C-A. GRCh37 (hg19) VCF-style: chr1-186158651-C-A.
Other names: short protein forms L5517I.
Identifiers: ClinVar variation 4806052 (VCV004806052.1).
Genomic context (GRCh38, chr1:186,189,519, plus strand): 5'-CCTCCTCCTACTTCCAGATAACTATGTGTATTTGATATGTTTGTTGTCCTTAGGTTCTGC[C>A]TCAAGAACTGTCCACCCAATGATTTGGAATGTGCCTTGAGCCCATATGCCTTGGAATACA-3'
Protein context (NP_114141.2, residues 5507-5527): YQRDPVSGFC[Leu5517Ile]KNCPPNDLEC

ClinVar aggregate classification (germline): Uncertain significance (1 of 4 stars; one submission).

gnomAD v4.1: 3 of 1,613,022 alleles (0.00019%); highest among the groups gnomAD compares: African/African-American, 0.004%; no homozygotes.

Submission:

Labcorp Genetics (formerly Invitae), Labcorp
Classification: Uncertain significance. Last evaluated: 2026-01-26. Review status: criteria provided, single submitter. Criteria: Invitae Variant Classification Sherloc (09022015). Collection method: clinical testing. Allele origin: germline.
Comment: This sequence change replaces leucine, which is neutral and non-polar, with isoleucine, which is neutral and non-polar, at codon 5517 of the HMCN1 protein (p.Leu5517Ile). This variant is present in population databases (rs148212702, gnomAD 0.007%). This variant has not been reported in the literature in individuals affected with HMCN1-related conditions. An algorithm developed to predict the effect of missense changes on protein structure and function (PolyPhen-2) suggests that this variant is likely to be disruptive. In summary, the available evidence is currently insufficient to determine the role of this variant in disease. Therefore, it has been classified as a Variant of Uncertain Significance.